The following is an entry in ClinVar:

NM_052859.4(RFT1):c.*1804C>T

Gene: RFT1 (RFT1 glycolipid translocator homolog; minus strand). Cytogenetic location: 3p21.1.
Variant type: single nucleotide variant.
Coding change: c.*1804C>T on transcript NM_052859.4 (MANE Select); 1804 bases downstream of the stop codon, C replaced by T.
Molecular consequence: 3 prime UTR variant.
Genome position (GRCh38, 1-based): chr3:53,090,099, G>A on the plus strand (C>T on the coding strand, the complement: RFT1 is on the minus strand). VCF-style: chr3-53090099-G-A. GRCh37 (hg19) VCF-style: chr3-53124115-G-A.
Identifiers: ClinVar variation 346162 (VCV000346162.5), dbSNP rs114515847, ClinGen allele CA10617010.
Genomic context (GRCh38, chr3:53,090,099, plus strand): 5'-TCAAAGCCACGTGGGCTTGCCAGAAAAGCCAATCTCAGAGCCCTCCTCCTGGGAGACACA[G>A]ACCCTGAAGGCCTGGAGTGGGTCCTGGGAAGCCATGTTCTGACTTGCAATCCAGGTGATT-3'

ClinVar aggregate classification (germline): Benign (1 of 4 stars; one submission).

Conditions:
RFT1-congenital disorder of glycosylation (CDG1N). Also called: Congenital disorder of glycosylation type In; CDG In; RFT1-CDG. Identifiers: Orphanet 244310, MedGen C2677590, MONDO:0012783, OMIM 612015.

Allele frequency attached by ClinVar (database versions not stated): gnomAD 0.03434 and 0.03678; TOPMed 0.03890; 1000 Genomes Project 0.04293; 1000 Genomes Project 30x 0.04513.

Submission:

Illumina Laboratory Services, Illumina
Classification: Benign for RFT1-congenital disorder of glycosylation. Last evaluated: 2018-01-12. Review status: criteria provided, single submitter. Criteria: ICSL Variant Classification Criteria 13 December 2019. Collection method: clinical testing. Allele origin: germline.
Comment: This variant was observed in the ICSL laboratory as part of a predisposition screen in an ostensibly healthy population. It had not been previously curated by ICSL or reported in the Human Gene Mutation Database (HGMD: prior to June 1st, 2018), and was therefore a candidate for classification through an automated scoring system. Utilizing variant allele frequency, disease prevalence and penetrance estimates, and inheritance mode, an automated score was calculated to assess if this variant is too frequent to cause the disease. Based on the score and internal cut-off values, a variant classified as benign is not then subjected to further curation. The score for this variant resulted in a classification of benign for this disease.